The following is an entry in ClinVar:

NM_000038.6(APC):c.8406A>G (p.Pro2802=)

Gene: APC (APC regulator of Wnt signaling pathway; plus strand). Cytogenetic location: 5q22.2.
Variant type: single nucleotide variant.
Coding change: c.8406A>G on transcript NM_000038.6 (MANE Select); coding-DNA position 8406, A replaced by G.
Protein change: p.Pro2802=; no amino-acid change (proline 2802 retained).
Molecular consequence: synonymous variant.
Genome position (GRCh38, 1-based): chr5:112,844,000, A>G. VCF-style: chr5-112844000-A-G. GRCh37 (hg19) VCF-style: chr5-112179697-A-G.
Other names: c.8406A>G, p.Pro2802= (NM_001127510.3, NM_001354895.2); c.8352A>G, p.Pro2784= (NM_001127511.3); c.8460A>G, p.Pro2820= (NM_001354896.2); c.8436A>G, p.Pro2812= (NM_001354897.2); c.8331A>G, p.Pro2777= (NM_001354898.2); c.8322A>G, p.Pro2774= (NM_001354899.2); c.8283A>G, p.Pro2761= (NM_001354900.2); c.8229A>G, p.Pro2743= (NM_001354901.2); and 5 more.
Identifiers: ClinVar variation 416767 (VCV000416767.59), dbSNP rs1060504895, ClinGen allele CA16611680.
Genomic context (GRCh38, chr5:112,844,000, plus strand): 5'-TCCTTTTAATTACAACCCAAGCCCTAGGAAAAGCAGCGCAGATAGCACTTCAGCTCGGCC[A>G]TCTCAGATCCCAACTCCAGTGAATAACAACACAAAGAAGCGAGATTCCAAAACTGACAGC-3'
Protein context (NP_000029.2, residues 2792-2812): KSSADSTSAR[Pro2802=]SQIPTPVNNN

ClinVar aggregate classification (germline): Benign/Likely benign. Review status: criteria provided, multiple submitters, no conflicts (2 of 4 stars). 5 submissions from 5 submitters: Benign (1); Likely benign (4). Last evaluated 2025-12-13.

Conditions:
Familial adenomatous polyposis 1 (FAP1). Also called: FAMILIAL ADENOMATOUS POLYPOSIS 1, ATTENUATED; POLYPOSIS, ADENOMATOUS INTESTINAL. Identifiers: MedGen C2713442, MONDO:0021056, OMIM 175100. Disease mechanism: loss of function.
Classic or attenuated familial adenomatous polyposis. Identifiers: MedGen CN372698, MONDO:0021057.
Hereditary cancer-predisposing syndrome. Also called: Tumor predisposition; Neoplastic Syndromes, Hereditary; Hereditary neoplastic syndrome; Hereditary Cancer Syndrome. Identifiers: Orphanet 140162, MedGen C0027672, MeSH D009386, MONDO:0015356.

Allele frequency attached by ClinVar (database versions not stated): gnomAD exomes below 0.00001; gnomAD 0.00001; TOPMed 0.00002.
gnomAD v4.1: 4 of 1,600,772 alleles (0.00025%); highest among the groups gnomAD compares: Non-Finnish European, 0.00026%; no homozygotes.

Submissions (5):

Labcorp Genetics (formerly Invitae), Labcorp
Classification: Likely benign for Familial adenomatous polyposis 1. Last evaluated: 2025-12-13. Review status: criteria provided, single submitter. Criteria: Invitae Variant Classification Sherloc (09022015). Collection method: clinical testing. Allele origin: germline.

Myriad Genetics, Inc.
Classification: Benign for Familial adenomatous polyposis 1. Last evaluated: 2024-04-15. Review status: criteria provided, single submitter. Criteria: Myriad Autosomal Dominant, Autosomal Recessive and X-Linked Classification Criteria (2023). Collection method: clinical testing. Allele origin: unknown.
Comment: This variant is considered benign. This variant is a silent/synonymous amino acid change and it is not expected to impact splicing.

All of Us Research Program, National Institutes of Health
Classification: Likely benign for Classic or attenuated familial adenomatous polyposis. Last evaluated: 2023-12-14. Review status: criteria provided, single submitter. Criteria: ACMG Guidelines, 2015. Collection method: clinical testing. Allele origin: germline. Inheritance: Autosomal dominant inheritance. Observed: 3 variant alleles, 3 heterozygotes.
Comment: This study involves interpretation of variants in research participants for the purpose of population health screening. Participant phenotype was not available at the time of variant classification. Additional details can be found in publication PMID: 35346344, PMCID: PMC8962531

Color Diagnostics, LLC DBA Color Health
Classification: Likely benign for Hereditary cancer-predisposing syndrome. Last evaluated: 2017-11-09. Review status: criteria provided, single submitter. Criteria: ACMG Guidelines, 2015. Collection method: clinical testing. Allele origin: germline.

Ambry Genetics
Classification: Likely benign for Hereditary cancer-predisposing syndrome. Last evaluated: 2016-07-15. Review status: criteria provided, single submitter. Criteria: Ambry Variant Classification Scheme 2023. Collection method: clinical testing. Allele origin: germline.